The following is an entry in ClinVar:

NM_000133.4(F9):c.1174A>G (p.Asn392Asp)

Gene: F9 (coagulation factor IX; plus strand). Cytogenetic location: Xq27.1.
Variant type: single nucleotide variant.
Coding change: c.1174A>G on transcript NM_000133.4 (MANE Select); coding-DNA position 1174, A replaced by G.
Protein change: p.Asn392Asp; replaces asparagine 392 with aspartic acid.
Molecular consequence: missense variant.
Genome position (GRCh38, 1-based): chrX:139,561,859, A>G. VCF-style: chrX-139561859-A-G. GRCh37 (hg19) VCF-style: chrX-138644018-A-G.
Other names: c.1174A>G (NM_000133.3); c.1060A>G, p.Asn354Asp (NM_001313913.2); short protein forms N354D, N392D.
Identifiers: ClinVar variation 810869 (VCV000810869.14), dbSNP rs1603267412, ClinGen allele CA414446319.

ClinVar aggregate classification (germline): Pathogenic/Likely pathogenic. Review status: criteria provided, multiple submitters, no conflicts (2 of 4 stars). 5 submissions from 5 submitters: Pathogenic (1); Likely pathogenic (4). Last evaluated 2026-04-13.

Conditions:
Warfarin sensitivity, X-linked. Also called: COUMARIN SENSITIVITY, X-LINKED. Identifiers: MedGen C5393318, OMIM 301052, MONDO:0026768.
Thrombophilia, X-linked, due to factor 9 defect. Identifiers: MedGen C2749016, MONDO:0010432, OMIM 300807.
Hereditary factor IX deficiency disease (HEMB). Also called: PLASMA THROMBOPLASTIN COMPONENT DEFICIENCY; Hemophilia B; Christmas Disease; F9 DEFICIENCY; FACTOR IX DEFICIENCY. Identifiers: Orphanet 98879, MedGen C0008533, MeSH D002836, MONDO:0010604, OMIM 306900.

Allele frequency attached by ClinVar (database versions not stated): gnomAD exomes 0.00001; TOPMed 0.00005.
gnomAD v4.1: 4 of 1,211,771 alleles (0.00033%); highest among the groups gnomAD compares: Non-Finnish European, 0.00045%; no homozygotes.

Submissions (5):

Women's Health and Genetics/Laboratory Corporation of America, LabCorp
Classification: Likely pathogenic for Hereditary factor IX deficiency disease. Last evaluated: 2026-04-13. Review status: criteria provided, single submitter. Criteria: LabCorp Variant Classification Summary - May 2015. Collection method: clinical testing. Allele origin: germline.
Comment: Variant summary: F9 c.1174A>G (p.Asn392Asp) results in a conservative amino acid change in the encoded protein sequence. Algorithms developed to predict the effect of missense changes on protein structure and function all suggest that this variant is likely to be tolerated. The variant was absent in 183343 control chromosomes. c.1174A>G has been observed in individuals affected with Factor IX Deficiency (Hemophilia B)(e.g. Weinmann_1998, Lefkowitz_2001, Chavali_2009, internal data). These data indicate that the variant may be associated with disease. At least two publications reports experimental evidence evaluating an impact on protein function. The variant demonstrated reduced binding to both activated factor VIII and the endocytic receptor low density lipoprotein receptor-related protein and resulted in a specific activity approximately 14-fold lower than normal FIX in vitro (Lefkowitz_2001, Rohlena_2003). The following publications have been ascertained in the context of this evaluation (PMID: 19699296, 11583320, 12522212, 9450791). ClinVar contains an entry for this variant (Variation ID: 810869). Based on the evidence outlined above, the variant was classified as likely pathogenic.

Natera, Inc.
Classification: Likely pathogenic for Hemophilia B. Last evaluated: 2026-01-07. Review status: criteria provided, single submitter. Criteria: Natera Variant Classification Schema (03/2026). Collection method: clinical testing. Allele origin: germline.
Comment: The c.1174A>G variant in F9 is a missense variant predicted to cause substitution of asparagine to aspartic acid at amino acid 392. This variant is rare in the general population with a frequency below the threshold expected for the associated phenotype(s). This variant has been observed in affected individual(s) with monoallelic occurrence (heterozygous/hemizygous) (PMID: 11583320, 9450791). Functional studies show that this variant may disrupt protein function (PMID: 11583320, 12522212). Given the available evidence, this variant is classified as Likely Pathogenic.

Labcorp Genetics (formerly Invitae), Labcorp
Classification: Likely pathogenic for Thrombophilia, X-linked, due to factor 9 defect; Hereditary factor IX deficiency disease. Last evaluated: 2025-12-03. Review status: criteria provided, single submitter. Criteria: Invitae Variant Classification Sherloc (09022015). Collection method: clinical testing. Allele origin: germline.
Comment: This sequence change replaces asparagine, which is neutral and polar, with aspartic acid, which is acidic and polar, at codon 392 of the F9 protein (p.Asn392Asp). This variant is not present in population databases (gnomAD no frequency). This missense change has been observed in individuals with hemophilia B (PMID: 9450791, 19699296; internal data). This variant is also known as Asn346Asp. ClinVar contains an entry for this variant (Variation ID: 810869). Invitae Evidence Modeling of protein sequence and biophysical properties (such as structural, functional, and spatial information, amino acid conservation, physicochemical variation, residue mobility, and thermodynamic stability) indicates that this missense variant is not expected to disrupt F9 protein function with a negative predictive value of 80%. In summary, the currently available evidence indicates that the variant is pathogenic, but additional data are needed to prove that conclusively. Therefore, this variant has been classified as Likely Pathogenic.

Fulgent Genetics
Classification: Pathogenic for Thrombophilia, X-linked, due to factor 9 defect; Warfarin sensitivity, X-linked; Hereditary factor IX deficiency disease. Last evaluated: 2024-01-08. Review status: criteria provided, single submitter. Criteria: ACMG Guidelines, 2015. Collection method: clinical testing. Allele origin: germline.

ARUP Laboratories, Molecular Genetics and Genomics, ARUP Laboratories
Classification: Likely pathogenic. Last evaluated: 2019-05-06. Review status: criteria provided, single submitter. Criteria: ARUP Molecular Germline Variant Investigation Process. Collection method: clinical testing. Allele origin: germline.
Comment: The F9 c.1174A>G; p.Asn392Asp variant, also known as Asn346Asp, has been described in individuals affected with hemophilia B (see link to F9 database and references therein, Chavali 2009, Weinmann 1998). It is absent from general population databases (Exome Variant Server and Genome Aggregation Database), indicating it is not a common polymorphism. The asparagine at codon 392 is moderately conserved, but computational algorithms predict that this variant is tolerated. However, several missense changes at surrounding codons (390, 391, 393, 394, 395) have been described in individuals affected with hemophilia B, highlighting the importance of this region within the protein (see link to F9 database and references therein). Based on available information, the p.Asn392Asp variant is considered likely pathogenic. REFERENCES Link to F9 database: Chavali S et al. Hemophilia B is a quasi-quantitative condition with certain mutations showing phenotypic plasticity. Genomics. 2009 Dec;94(6):433-7. Weinmann A et al. Consequences of factor IX mutations in 26 families with haemophilia B. Br J Haematol. 1998 Jan;100(1):58-61.

Literature cited by the submitters: PubMed 19699296 (cited by Women's Health and Genetics/Laboratory Corporation of America, LabCorp and Labcorp Genetics (formerly Invitae), Labcorp); PubMed 9450791 (cited by 3 submitters); PubMed 11583320 (cited by Women's Health and Genetics/Laboratory Corporation of America, LabCorp and Natera, Inc.); PubMed 12522212 (cited by Women's Health and Genetics/Laboratory Corporation of America, LabCorp and Natera, Inc.).